The following is an entry in ClinVar:

ClinVar aggregate classification (germline): Uncertain significance (1 of 4 stars; one submission).

Conditions:
Immunodeficiency. Identifiers: MedGen C0021051, MONDO:0021094, HP:0002721.

Submission:

Labcorp Genetics (formerly Invitae), Labcorp
Classification: Uncertain significance for Immunodeficiency. Last evaluated: 2022-08-06. Review status: criteria provided, single submitter. Criteria: Invitae Variant Classification Sherloc (09022015). Collection method: clinical testing. Allele origin: germline.
Comment: In summary, the available evidence is currently insufficient to determine the role of this variant in disease. Therefore, it has been classified as a Variant of Uncertain Significance. Algorithms developed to predict the effect of missense changes on protein structure and function are either unavailable or do not agree on the potential impact of this missense change (SIFT: "Deleterious"; PolyPhen-2: "Benign"; Align-GVGD: "Class C0"). This variant has not been reported in the literature in individuals affected with NFAT5-related conditions. This variant is not present in population databases (gnomAD no frequency). This sequence change replaces histidine, which is basic and polar, with arginine, which is basic and polar, at codon 458 of the NFAT5 protein (p.His458Arg).

NM_138713.4(NFAT5):c.1655A>G (p.His552Arg)

Gene: NFAT5 (nuclear factor of activated T cells 5; plus strand). Cytogenetic location: 16q22.1.
Variant type: single nucleotide variant.
Coding change: c.1655A>G on transcript NM_138713.4 (MANE Select); coding-DNA position 1655, A replaced by G.
Protein change: p.His552Arg; replaces histidine 552 with arginine.
Molecular consequence: missense variant.
Genome position (GRCh38, 1-based): chr16:69,677,300, A>G. VCF-style: chr16-69677300-A-G. GRCh37 (hg19) VCF-style: chr16-69711203-A-G.
Other names: c.1655A>G, p.His552Arg (NM_001113178.3); c.983A>G, p.His328Arg (NM_001367709.1); c.1601A>G, p.His534Arg (NM_006599.4); c.1373A>G, p.His458Arg (NM_138714.4, NM_173214.3, NM_173215.3); short protein forms H328R, H458R, H534R, H552R.
Identifiers: ClinVar variation 1715342 (VCV001715342.5), dbSNP rs2544131820, ClinGen allele CA396499569.